The following is an entry in ClinVar:

NM_152383.5(DIS3L2):c.2010+6G>A

Gene: DIS3L2 (DIS3 like 3'-5' exoribonuclease 2; plus strand). Cytogenetic location: 2q37.1.
Variant type: single nucleotide variant.
Coding change: c.2010+6G>A on transcript NM_152383.5 (MANE Select); 6 bases into the intron after coding-DNA position 2010, G replaced by A.
Molecular consequence: intron variant.
Genome position (GRCh38, 1-based): chr2:232,330,782, G>A. VCF-style: chr2-232330782-G-A. GRCh37 (hg19) VCF-style: chr2-233195492-G-A.
Other names: c.1582-12563G>A (NM_001257281.2).
Identifiers: ClinVar variation 2013601 (VCV002013601.4), dbSNP rs2469436845, ClinGen allele CA2577300317.
Genomic context (GRCh38, chr2:232,330,782, plus strand): 5'-GTACTCACTGGCCCGCAAGGAGGTGCTCACCAACATGTGCTCCCGGCCCATGCAGGTAAG[G>A]AGGGCCCAGCCCCGGCCTCCCCTGCTCCCAGGAGCACACTAGCCCCAGACCTGTGACCTC-3'

ClinVar aggregate classification (germline): Uncertain significance (1 of 4 stars; one submission).

Conditions:
Perlman syndrome (PRLMNS). Identifiers: Orphanet 2849, MedGen C0796113, MONDO:0009965, OMIM 267000.

Submission:

Labcorp Genetics (formerly Invitae), Labcorp
Classification: Uncertain significance for Perlman syndrome. Last evaluated: 2023-02-02. Review status: criteria provided, single submitter. Criteria: Invitae Variant Classification Sherloc (09022015). Collection method: clinical testing. Allele origin: germline.
Comment: This sequence change falls in intron 16 of the DIS3L2 gene. It does not directly change the encoded amino acid sequence of the DIS3L2 protein. It affects a nucleotide within the consensus splice site. This variant is not present in population databases (gnomAD no frequency). This variant has not been reported in the literature in individuals affected with DIS3L2-related conditions. Variants that disrupt the consensus splice site are a relatively common cause of aberrant splicing (PMID: 17576681, 9536098). Algorithms developed to predict the effect of sequence changes on RNA splicing suggest that this variant is not likely to affect RNA splicing. In summary, the available evidence is currently insufficient to determine the role of this variant in disease. Therefore, it has been classified as a Variant of Uncertain Significance.

Literature cited by the submitters: PubMed 17576681; PubMed 9536098.